The following is an entry in ClinVar:

ClinVar aggregate classification (germline): Pathogenic (1 of 4 stars; one submission).

Conditions:
ALG6-congenital disorder of glycosylation 1C (CDG1C). Also called: CDG Ic; CARBOHYDRATE-DEFICIENT GLYCOPROTEIN SYNDROME, TYPE I, WITH DEFICIENT GLYCOSYLATION OF DOLICHOL-LINKED OLIGOSACCHARIDE; CARBOHYDRATE-DEFICIENT GLYCOPROTEIN SYNDROME, TYPE V; Congenital disorder of glycosylation type 1C; Congenital disorder of glycosylation, type Ic. Identifiers: Orphanet 79320, MedGen C2930997, MONDO:0011291, OMIM 603147.

Submission:

Myriad Genetics, Inc.
Classification: Pathogenic for ALG6-congenital disorder of glycosylation 1C. Last evaluated: 2024-07-17. Review status: criteria provided, single submitter. Criteria: Myriad Autosomal Dominant, Autosomal Recessive and X-Linked Classification Criteria (2023). Collection method: clinical testing. Allele origin: unknown.
Comment: NM_013339.3(ALG6):c.615C>G(Y205*) is expected to be pathogenic in the context of congenital disorder of glycosylation, ALG6-related. This variant is predicted to lead to an abnormal or absent protein product due to the creation of a premature termination codon in ALG6, a gene where loss-of-function variants are known to be pathogenic. Please note: this variant was assessed in the context of healthy population screening.

NM_013339.4(ALG6):c.615C>G (p.Tyr205Ter)

Gene: ALG6 (ALG6 alpha-1,3-glucosyltransferase; plus strand). Cytogenetic location: 1p31.3.
Variant type: single nucleotide variant.
Coding change: c.615C>G on transcript NM_013339.4 (MANE Select); coding-DNA position 615, C replaced by G.
Protein change: p.Tyr205Ter; replaces tyrosine 205 with a stop codon.
Molecular consequence: nonsense.
Genome position (GRCh38, 1-based): chr1:63,411,266, C>G. VCF-style: chr1-63411266-C-G. GRCh37 (hg19) VCF-style: chr1-63876937-C-G.
Other names: short protein forms Y205*.
Identifiers: ClinVar variation 5013318 (VCV005013318.1).